The following is an entry in ClinVar:

NM_002439.5(MSH3):c.2015T>C (p.Ile672Thr)

Gene: MSH3 (mutS homolog 3; plus strand). Cytogenetic location: 5q14.1.
Variant type: single nucleotide variant.
Coding change: c.2015T>C on transcript NM_002439.5 (MANE Select); coding-DNA position 2015, T replaced by C.
Protein change: p.Ile672Thr; replaces isoleucine 672 with threonine.
Molecular consequence: missense variant.
Genome position (GRCh38, 1-based): chr5:80,768,051, T>C. VCF-style: chr5-80768051-T-C. GRCh37 (hg19) VCF-style: chr5-80063870-T-C.
Other names: c.2015T>C (NM_002439.4, NM_002439.3); short protein forms I672T.
Identifiers: ClinVar variation 2415981 (VCV002415981.9), dbSNP rs888955838, ClinGen allele CA121320018.

ClinVar aggregate classification (germline): Uncertain significance. Review status: criteria provided, multiple submitters, no conflicts (2 of 4 stars). 3 submissions from 3 submitters: Uncertain significance (3). Last evaluated 2024-03-28.

Conditions:
Hereditary cancer-predisposing syndrome. Also called: Tumor predisposition; Hereditary Cancer Syndrome; Neoplastic Syndromes, Hereditary; Hereditary neoplastic syndrome. Identifiers: Orphanet 140162, MedGen C0027672, MeSH D009386, MONDO:0015356.

Allele frequency attached by ClinVar (database versions not stated): gnomAD exomes below 0.00001; TOPMed below 0.00001.
gnomAD v4.1: 1 of 1,613,848 alleles (0.000062%); highest among the groups gnomAD compares: Non-Finnish European, 0.000085%; no homozygotes.

Submissions (3):

Labcorp Genetics (formerly Invitae), Labcorp
Classification: Uncertain significance. Last evaluated: 2024-03-28. Review status: criteria provided, single submitter. Criteria: Invitae Variant Classification Sherloc (09022015). Collection method: clinical testing. Allele origin: germline.
Comment: This sequence change replaces isoleucine, which is neutral and non-polar, with threonine, which is neutral and polar, at codon 672 of the MSH3 protein (p.Ile672Thr). This variant is not present in population databases (gnomAD no frequency). This variant has not been reported in the literature in individuals affected with MSH3-related conditions. ClinVar contains an entry for this variant (Variation ID: 2415981). An algorithm developed to predict the effect of missense changes on protein structure and function (PolyPhen-2) suggests that this variant is likely to be tolerated. In summary, the available evidence is currently insufficient to determine the role of this variant in disease. Therefore, it has been classified as a Variant of Uncertain Significance.

GeneDx
Classification: Uncertain significance. Last evaluated: 2023-04-14. Review status: criteria provided, single submitter. Criteria: GeneDx Variant Classification Process June 2021. Collection method: clinical testing. Allele origin: germline. Affected: yes.
Comment: Not observed at significant frequency in large population cohorts (gnomAD); In silico analysis supports that this missense variant has a deleterious effect on protein structure/function; Has not been previously published as pathogenic or benign to our knowledge

Ambry Genetics
Classification: Uncertain significance for Hereditary cancer-predisposing syndrome. Last evaluated: 2023-01-02. Review status: criteria provided, single submitter. Criteria: Ambry Variant Classification Scheme 2023. Collection method: clinical testing. Allele origin: germline.
Comment: The p.I672T variant (also known as c.2015T>C), located in coding exon 14 of the MSH3 gene, results from a T to C substitution at nucleotide position 2015. The isoleucine at codon 672 is replaced by threonine, an amino acid with similar properties. This amino acid position is conserved. In addition, the in silico prediction for this alteration is inconclusive. Since supporting evidence is limited at this time, the clinical significance of this alteration remains unclear.